The following is an entry in ClinVar:

ClinVar aggregate classification (germline): Likely benign. Review status: criteria provided, multiple submitters, no conflicts (2 of 4 stars). 2 submissions from 2 submitters: Likely benign (2). Last evaluated 2025-06-25.

Conditions:
RP1L1-related disorder. Also called: RP1L1-related condition.

gnomAD v4.1: 41 of 1,603,414 alleles (0.0026%); highest among the groups gnomAD compares: Middle Eastern, 0.016%; no homozygotes.

Submissions (2):

PreventionGenetics, part of Exact Sciences
Classification: Likely benign for RP1L1-related condition. Last evaluated: 2025-06-25. Review status: criteria provided, single submitter. Criteria: ACMG Guidelines, 2015. Collection method: clinical testing. Allele origin: germline.
Comment: This variant is classified as likely benign based on ACMG/AMP sequence variant interpretation guidelines (Richards et al. 2015 PMID: 25741868, with internal and published modifications).

Blueprint Genetics
Classification: Likely benign. Last evaluated: 2024-03-13. Review status: criteria provided, single submitter. Criteria: ACMG Guidelines, 2015. Collection method: clinical testing. Allele origin: germline.

NM_178857.6(RP1L1):c.4530G>A (p.Ala1510=)

Gene: RP1L1 (RP1 like 1). Cytogenetic location: 8p23.1.
Variant type: single nucleotide variant.
Coding change: c.4530G>A on transcript NM_178857.6 (MANE Select); coding-DNA position 4530, G replaced by A.
Protein change: p.Ala1510=; no amino-acid change (alanine 1510 retained).
Molecular consequence: synonymous variant.
Genome position (GRCh38, 1-based): chr8:10,609,568, C>T on the plus strand (G>A on the coding strand, the complement: RP1L1 is on the minus strand). VCF-style: chr8-10609568-C-T. GRCh37 (hg19) VCF-style: chr8-10467078-C-T.
Other names: c.4530G>A (NM_178857.5).
Identifiers: ClinVar variation 4899052 (VCV004899052.2).